The following is an entry in ClinVar:

NM_000202.8(IDS):c.645del (p.Ala216fs)

Genes: IDS (iduronate 2-sulfatase; minus strand), LOC106050102 (IDS recombination region; plus strand). Cytogenetic location: Xq28.
Variant type: Deletion.
Coding change: c.645del on transcript NM_000202.8 (MANE Select); coding-DNA position 645, one base deleted (A; older notation c.645delA).
Protein change: p.Ala216fs; shifts the reading frame from alanine 216.
Molecular consequence: frameshift variant. On other transcripts: non-coding transcript variant (1).
Genome position (GRCh38, 1-based): chrX:149,498,170, T deleted on the plus strand (A on the coding strand, the reverse complement: IDS is on the minus strand). VCF-style (leftmost placement, unchanged base first): chrX-149498169-CT-C. GRCh37 (hg19) VCF-style: chrX-148579700-CT-C.
Other names: c.375del, p.Ala126fs (NM_001166550.4); c.645del, p.Ala216fs (NM_006123.5); short protein forms A126fs, A216fs.
Identifiers: ClinVar variation 3255787 (VCV003255787.2).

ClinVar aggregate classification (germline): Pathogenic (1 of 4 stars; one submission).

Conditions:
Mucopolysaccharidosis, MPS-II (MPS2). Also called: Hunter Syndrome; IDURONATE 2-SULFATASE DEFICIENCY; Mucopolysaccharidosis Type II; Mucopolysaccharidosis type 2; Attenuated MPS (subtype; formerly known as mild MPS II); Severe MPS II. Identifiers: Orphanet 580, Orphanet 79388, MedGen C0026705, MONDO:0010674, OMIM 309900.

Submission:

Laboratory of Diagnosis and Therapy of Lysosomal Disorders, University of Padova
Classification: Pathogenic for Mucopolysaccharidosis, MPS-II. Last evaluated: 2024-06-07. Review status: criteria provided, single submitter. Criteria: ACMG Guidelines, 2015. Collection method: literature only. Allele origin: germline. Affected: yes. Observed: 1 variant allele.
Comment: Null variant (PVS1_VeryStrong), Absent from controls (or at low frequency) in gnomAD database (PM2_Moderate), Patient’s phenotype or family history highly specific for the disease (PP4_Strong)

Classification method: ACMG Guidelines [PMID:25741868] with modifications

Literature cited by the submitters: PubMed 27146977.